The following is an entry in ClinVar:

ClinVar aggregate classification (germline): Uncertain significance (1 of 4 stars; one submission).

Submission:

GeneDx
Classification: Uncertain significance. Last evaluated: 2021-09-13. Review status: criteria provided, single submitter. Criteria: GeneDx Variant Classification Process June 2021. Collection method: clinical testing. Allele origin: germline. Affected: yes.
Comment: Has not been previously published as pathogenic or benign to our knowledge; In silico analysis supports that this missense variant has a deleterious effect on protein structure/function

NM_020442.6(VARS2):c.1183C>G (p.Pro395Ala)

Gene: VARS2 (valyl-tRNA synthetase 2, mitochondrial; plus strand). Cytogenetic location: 6p21.33.
Variant type: single nucleotide variant.
Coding change: c.1183C>G on transcript NM_020442.6 (MANE Select); coding-DNA position 1183, C replaced by G.
Protein change: p.Pro395Ala; replaces proline 395 with alanine.
Molecular consequence: missense variant.
Genome position (GRCh38, 1-based): chr6:30,920,106, C>G. VCF-style: chr6-30920106-C-G. GRCh37 (hg19) VCF-style: chr6-30887883-C-G.
Other names: c.763C>G, p.Pro255Ala (NM_001167733.3); c.1273C>G, p.Pro425Ala (NM_001167734.2); short protein forms P255A, P395A, P425A.
Identifiers: ClinVar variation 1343897 (VCV001343897.2), dbSNP rs1378746858, ClinGen allele CA363171075.